The following is an entry in ClinVar:

NM_001290043.2(TAP2):c.1309G>A (p.Val437Met)

Gene: TAP2 (transporter 2, ATP binding cassette subfamily B member; minus strand). Cytogenetic location: 6p21.32.
Variant type: single nucleotide variant.
Coding change: c.1309G>A on transcript NM_001290043.2 (MANE Select); coding-DNA position 1309, G replaced by A.
Protein change: p.Val437Met; replaces valine 437 with methionine.
Molecular consequence: missense variant.
Genome position (GRCh38, 1-based): chr6:32,830,770, C>T on the plus strand (G>A on the coding strand, the complement: TAP2 is on the minus strand). VCF-style: chr6-32830770-C-T. GRCh37 (hg19) VCF-style: chr6-32798547-C-T.
Other names: c.1309G>A, p.Val437Met (NM_000544.3, NM_018833.3); short protein forms V437M.
Identifiers: ClinVar variation 2200348 (VCV002200348.6), dbSNP rs189411634, ClinGen allele CA136998850.

ClinVar aggregate classification (germline): Uncertain significance. Review status: criteria provided, multiple submitters, no conflicts (2 of 4 stars). 2 submissions from 2 submitters: Uncertain significance (2). Last evaluated 2023-03-21.

Conditions:
Inborn genetic diseases. Identifiers: MedGen C0950123, MeSH D030342.
MHC class I deficiency. Identifiers: Orphanet 34592, MedGen C6024714, MONDO:0011476.

Allele frequency attached by ClinVar (database versions not stated): gnomAD 0.00001; gnomAD exomes 0.00002.
gnomAD v4.1: 26 of 1,612,526 alleles (0.0016%); highest among the groups gnomAD compares: African/African-American, 0.0027%; no homozygotes.

Submissions (2):

Ambry Genetics
Classification: Uncertain significance for Inborn genetic diseases. Last evaluated: 2023-03-21. Review status: criteria provided, single submitter. Criteria: Ambry Variant Classification Scheme 2023. Collection method: clinical testing. Allele origin: germline.

Labcorp Genetics (formerly Invitae), Labcorp
Classification: Uncertain significance for MHC class I deficiency 1. Last evaluated: 2021-12-24. Review status: criteria provided, single submitter. Criteria: Invitae Variant Classification Sherloc (09022015). Collection method: clinical testing. Allele origin: germline.
Comment: This variant is present in population databases (rs189411634, gnomAD 0.004%). This sequence change replaces valine, which is neutral and non-polar, with methionine, which is neutral and non-polar, at codon 437 of the TAP2 protein (p.Val437Met). This variant has not been reported in the literature in individuals affected with TAP2-related conditions. Algorithms developed to predict the effect of missense changes on protein structure and function are either unavailable or do not agree on the potential impact of this missense change (SIFT: "Deleterious"; PolyPhen-2: "Not Available"; Align-GVGD: "Class C0"). In summary, the available evidence is currently insufficient to determine the role of this variant in disease. Therefore, it has been classified as a Variant of Uncertain Significance.